The following is an entry in ClinVar:

NM_002693.3(POLG):c.2063G>A (p.Trp688Ter)

Gene: POLG (DNA polymerase gamma, catalytic subunit; minus strand). Cytogenetic location: 15q26.1.
Variant type: single nucleotide variant.
Coding change: c.2063G>A on transcript NM_002693.3 (MANE Select); coding-DNA position 2063, G replaced by A.
Protein change: p.Trp688Ter; replaces tryptophan 688 with a stop codon.
Molecular consequence: nonsense.
Genome position (GRCh38, 1-based): chr15:89,324,114, C>T on the plus strand (G>A on the coding strand, the complement: POLG is on the minus strand). VCF-style: chr15-89324114-C-T. GRCh37 (hg19) VCF-style: chr15-89867345-C-T.
Other names: c.2063G>A, p.Trp688Ter (NM_001126131.2); short protein forms W688*.
Identifiers: ClinVar variation 3767172 (VCV003767172.1).
Genomic context (GRCh38, chr15:89,324,114, plus strand): 5'-TGGAATACAGAGACCTCCCCTCCCCAAAGCTCAGGTTCAGAGCCTGCCCTCACCGTTTGC[C>T]ATATGGCACTATTGTCAGTGAGCAGGAACTCCTCCGCCAGGCCGGCCTCCTGGGGCATCA-3'

ClinVar aggregate classification (germline): Likely pathogenic (1 of 4 stars; one submission).

Conditions:
Sensory ataxic neuropathy, dysarthria, and ophthalmoparesis (SANDO). Also called: Ataxia Neuropathy Spectrum (ANS); Epilepsy, progressive myoclonic, type 5; SENSORY ATAXIC NEUROPATHY WITH MITOCHONDRIAL DNA DELETIONS, AUTOSOMAL RECESSIVE; Sensory ataxic neuropathy-dysarthria-ophthalmoparesis syndrome. Identifiers: Orphanet 70595, MedGen C1843851, MONDO:0011835, OMIM 607459.

Submission:

Service de Génétique Médicale, Centre Hospitalier Universitaire de Nice-Université Côte d'Azur
Classification: Likely pathogenic for Sensory ataxic neuropathy, dysarthria, and ophthalmoparesis. Last evaluated: 2024-02-27. Review status: criteria provided, single submitter. Criteria: ACMG Guidelines, 2015. Collection method: clinical testing. Allele origin: germline. Affected: yes.

Literature cited by the submitters: PubMed 38703036.